The following is an entry in ClinVar:

ClinVar aggregate classification (germline): Benign. Review status: reviewed by expert panel (3 of 4 stars). 8 submissions from 8 submitters: Benign (1). 7 of the submissions do not count toward it. Last evaluated 2021-05-07.

Conditions:
Glanzmann thrombasthenia. Also called: Thrombasthenia; THROMBASTHENIA OF GLANZMANN AND NAEGELI; PLATELET GLYCOPROTEIN IIb-IIIa DEFICIENCY; Glanzmann's thrombasthenia. Identifiers: Orphanet 849, MedGen C0040015, MONDO:0100326.

Allele frequency attached by ClinVar (database versions not stated): 1000 Genomes Project 0.00120; ExAC 0.00289; gnomAD exomes 0.00291 and 0.00476; gnomAD 0.00339 and 0.00354; TOPMed 0.00355; ESP Exome Variant Server 0.00423.
gnomAD v4.1: 7,377 of 1,613,874 alleles (0.46%); highest among the groups gnomAD compares: Middle Eastern, 0.64%; 26 homozygotes.

Submissions (8):

ClinGen Platelet Disorders Variant Curation Expert Panel, ClinGen
Classification: Benign for Glanzmann thrombasthenia. Last evaluated: 2021-05-07. Review status: reviewed by expert panel. Criteria: ClinGen Platelet ACMG Specifications v2. Collection method: curation. Allele origin: germline. Inheritance: Autosomal recessive inheritance.
Comment: The c.2916G>A; p.Pro972= synonymous variant has not been reported in the literature to our knowledge. It is present in a non-Finnish European control population at an allele frequency of 0.005351 and no splice impact is predicted. In summary, this variant meets criteria to be classified as benign for GT. GT-specific criteria applied: BA1, BP4, and BP7.

CeGaT Center for Human Genetics Tuebingen
Classification: Likely benign. Last evaluated: 2026-09-01. Review status: criteria provided, single submitter. Criteria: CeGaT Center For Human Genetics Tuebingen Variant Classification Criteria Version 2. Collection method: clinical testing. Allele origin: germline. Affected: yes. Observed: 6 variant alleles. Not counted in ClinVar's aggregate classification.
Comment: ITGA2B: BP4, BP7, BS2

Labcorp Genetics (formerly Invitae), Labcorp
Classification: Benign for Glanzmann thrombasthenia. Last evaluated: 2026-02-01. Review status: criteria provided, single submitter. Criteria: Invitae Variant Classification Sherloc (09022015). Collection method: clinical testing. Allele origin: germline. Not counted in ClinVar's aggregate classification.

Blueprint Genetics
Classification: Likely benign. Last evaluated: 2024-11-23. Review status: criteria provided, single submitter. Criteria: ACMG Guidelines, 2015. Collection method: clinical testing. Allele origin: germline. Not counted in ClinVar's aggregate classification.

Mayo Clinic Laboratories, Mayo Clinic
Classification: Benign. Last evaluated: 2023-08-29. Review status: criteria provided, single submitter. Criteria: ACMG Guidelines, 2015. Collection method: clinical testing. Allele origin: germline. Observed: 12 variant alleles. Not counted in ClinVar's aggregate classification.
Comment: BA1, BP4, BP7

Illumina Laboratory Services, Illumina
Classification: Likely benign for Glanzmann thrombasthenia 1. Last evaluated: 2017-04-27. Review status: criteria provided, single submitter. Criteria: ICSL Variant Classification Criteria 13 December 2019. Collection method: clinical testing. Allele origin: germline. Not counted in ClinVar's aggregate classification.
Comment: This variant was observed as part of a predisposition screen in an ostensibly healthy population. A literature search was performed for the gene, cDNA change, and amino acid change (where applicable). No publications were found based on this search. Allele frequency data from public databases allowed determination this variant is unlikely to cause disease. Therefore, this variant is classified as likely benign.

Genetic Services Laboratory, University of Chicago
Classification: Likely benign. Last evaluated: 2017-03-07. Review status: criteria provided, single submitter. Criteria: ACMG Guidelines, 2015. Collection method: clinical testing. Allele origin: germline. Affected: no. Not counted in ClinVar's aggregate classification.

Breakthrough Genomics
Classification: Benign. Review status: criteria provided, single submitter. Criteria: ACMG Guidelines, 2015. Collection method: not provided. Allele origin: germline. Inheritance: Autosomal recessive inheritance. Affected: yes. Not counted in ClinVar's aggregate classification.

NM_000419.5(ITGA2B):c.2916G>A (p.Pro972=)

Gene: ITGA2B (integrin subunit alpha 2b; minus strand). Cytogenetic location: 17q21.31.
Variant type: single nucleotide variant.
Coding change: c.2916G>A on transcript NM_000419.5 (MANE Select); coding-DNA position 2916, G replaced by A.
Protein change: p.Pro972=; no amino-acid change (proline 972 retained).
Molecular consequence: synonymous variant.
Genome position (GRCh38, 1-based): chr17:44,374,686, C>T on the plus strand (G>A on the coding strand, the complement: ITGA2B is on the minus strand). VCF-style: chr17-44374686-C-T. GRCh37 (hg19) VCF-style: chr17-42452054-C-T.
Other names: c.2916G>A (LRG_479t1).
Identifiers: ClinVar variation 435530 (VCV000435530.47), dbSNP rs5913, ClinGen allele CA8602530.